The following is an entry in ClinVar:

NM_000256.3(MYBPC3):c.3244G>A (p.Val1082Met)

Gene: MYBPC3 (myosin binding protein C3; minus strand). Cytogenetic location: 11p11.2.
Variant type: single nucleotide variant.
Coding change: c.3244G>A on transcript NM_000256.3 (MANE Select); coding-DNA position 3244, G replaced by A.
Protein change: p.Val1082Met; replaces valine 1082 with methionine.
Molecular consequence: missense variant.
Genome position (GRCh38, 1-based): chr11:47,333,280, C>T on the plus strand (G>A on the coding strand, the complement: MYBPC3 is on the minus strand). VCF-style: chr11-47333280-C-T. GRCh37 (hg19) VCF-style: chr11-47354831-C-T.
Other names: short protein forms V1082M.
Identifiers: ClinVar variation 3230883 (VCV003230883.1), dbSNP rs888219735, ClinGen allele CA221682524.

ClinVar aggregate classification (germline): Uncertain significance (1 of 4 stars; one submission).

Conditions:
Cardiovascular phenotype. Identifiers: MedGen CN230736.

Submission:

Ambry Genetics
Classification: Uncertain significance for Cardiovascular phenotype. Last evaluated: 2023-09-23. Review status: criteria provided, single submitter. Criteria: Ambry Variant Classification Scheme 2023. Collection method: clinical testing. Allele origin: germline.
Comment: The p.V1082M variant (also known as c.3244G>A), located in coding exon 30 of the MYBPC3 gene, results from a G to A substitution at nucleotide position 3244. The valine at codon 1082 is replaced by methionine, an amino acid with highly similar properties. This amino acid position is conserved. In addition, the in silico prediction for this alteration is inconclusive. Since supporting evidence is limited at this time, the clinical significance of this alteration remains unclear.